The following is an entry in ClinVar:

Single allele

Genes: LINC02267 (long intergenic non-protein coding RNA 2267; plus strand), LOC129389226 (MPRA-validated peak5077 silencer; plus strand). Cytogenetic location: 4q22.3.
Variant type: Deletion.
Identifiers: ClinVar variation 156926 (VCV000156926.2).

ClinVar aggregate classification (germline): not provided (0 of 4 stars; one submission).

Conditions:
Large for gestational age. Identifiers: MedGen C1848395, HP:0001520.

Submission:

Institute of Molecular and Cell Biology, University of Tartu
No classification provided. Condition: Large for gestational age. Review status: no classification provided. Collection method: case-control. Allele origin: unknown. Affected: yes. Study: Kasak2014.
Comment: The study aimed to determine the contribution of copy number variants in the genetic etiology of normal and complicated pregnancies. The samples represented (i) maternal blood DNA drawn from healthy pregnant women during 1st or 2nd trimester and (ii) maternal and paternal blood DNA drawn at term pregnancy cases representing normal and complicated gestations (severe preeclampsia, PE; gestational diabetes, GD; small-for-gestational age newborn, SGA; large-for-gestational age newborn, LGA). We performed CNV calling based on genome-wide genotyping dataset (Illumina HumanOmniExpress-24-v1 BeadChip) by applying three algorithms, QuantiSNP, GADA (Genome Alteration Detection Algorithm) and CNstream in parallel. The acquired CNV calls were merged with HD-CNV (Hotspot Detector for Copy Number Variants) program and only the CNVs predicted by at least two programs, were considered in subsequent analysis.

Literature cited by the submitters: PubMed 25666259.